The following is an entry in ClinVar:

ClinVar aggregate classification (germline): Uncertain significance (1 of 4 stars; one submission).

Conditions:
Combined immunodeficiency with skin granulomas. Identifiers: Orphanet 157949, MedGen C2673536, MONDO:0009306, OMIM 233650.
Severe combined immunodeficiency, autosomal recessive, T cell-negative, B cell-negative, NK cell-positive. Also called: Severe combined immunodeficiency due to complete RAG1/2 deficiency; SCID, AR, T-cell negative, B-cell negative, NK cell-positive; SCID, T CELL-NEGATIVE, B CELL-NEGATIVE, NK CELL-POSITIVE. Identifiers: Orphanet 331206, MedGen C1832322, MONDO:0011086, OMIM 601457.

Submission:

Labcorp Genetics (formerly Invitae), Labcorp
Classification: Uncertain significance for Combined immunodeficiency with skin granulomas; Severe combined immunodeficiency, autosomal recessive, T cell-negative, B cell-negative, NK cell-positive. Last evaluated: 2022-07-23. Review status: criteria provided, single submitter. Criteria: Invitae Variant Classification Sherloc (09022015). Collection method: clinical testing. Allele origin: germline.
Comment: This sequence change replaces asparagine, which is neutral and polar, with lysine, which is basic and polar, at codon 248 of the RAG2 protein (p.Asn248Lys). This variant is not present in population databases (gnomAD no frequency). This variant has not been reported in the literature in individuals affected with RAG2-related conditions. Advanced modeling of protein sequence and biophysical properties (such as structural, functional, and spatial information, amino acid conservation, physicochemical variation, residue mobility, and thermodynamic stability) performed at Invitae indicates that this missense variant is not expected to disrupt RAG2 protein function. In summary, the available evidence is currently insufficient to determine the role of this variant in disease. Therefore, it has been classified as a Variant of Uncertain Significance.

NM_000536.4(RAG2):c.744T>A (p.Asn248Lys)

Gene: RAG2 (recombination activating 2; minus strand). Cytogenetic location: 11p12.
Variant type: single nucleotide variant.
Coding change: c.744T>A on transcript NM_000536.4 (MANE Select); coding-DNA position 744, T replaced by A.
Protein change: p.Asn248Lys; replaces asparagine 248 with lysine.
Molecular consequence: missense variant.
Genome position (GRCh38, 1-based): chr11:36,593,425, A>T on the plus strand (T>A on the coding strand, the complement: RAG2 is on the minus strand). VCF-style: chr11-36593425-A-T. GRCh37 (hg19) VCF-style: chr11-36614975-A-T.
Other names: c.744T>A, p.Asn248Lys (NM_001243785.2, NM_001243786.2); short protein forms N248K.
Identifiers: ClinVar variation 1952302 (VCV001952302.2), dbSNP rs2133313709, ClinGen allele CA380142203.